The following is an entry in ClinVar:

ClinVar aggregate classification (germline): Uncertain significance (1 of 4 stars; one submission).

Conditions:
Vici syndrome (VICIS). Identifiers: Orphanet 1493, MedGen C1855772, MONDO:0009452, OMIM 242840.

Allele frequency attached by ClinVar (database versions not stated): gnomAD exomes below 0.00001 and 0.00001; TOPMed below 0.00001; ExAC 0.00001.
gnomAD v4.1: 6 of 1,580,252 alleles (0.00038%); highest among the groups gnomAD compares: South Asian, 0.0045%; no homozygotes.

Submission:

Labcorp Genetics (formerly Invitae), Labcorp
Classification: Uncertain significance for Vici syndrome. Last evaluated: 2022-08-16. Review status: criteria provided, single submitter. Criteria: Invitae Variant Classification Sherloc (09022015). Collection method: clinical testing. Allele origin: germline.
Comment: This sequence change replaces serine, which is neutral and polar, with leucine, which is neutral and non-polar, at codon 1696 of the EPG5 protein (p.Ser1696Leu). This variant is present in population databases (rs766622192, gnomAD 0.007%). This variant has not been reported in the literature in individuals affected with EPG5-related conditions. ClinVar contains an entry for this variant (Variation ID: 1519383). Algorithms developed to predict the effect of missense changes on protein structure and function are either unavailable or do not agree on the potential impact of this missense change (SIFT: "Deleterious"; PolyPhen-2: "Probably Damaging"; Align-GVGD: "Class C15"). In summary, the available evidence is currently insufficient to determine the role of this variant in disease. Therefore, it has been classified as a Variant of Uncertain Significance.

NM_020964.3(EPG5):c.5087C>T (p.Ser1696Leu)

Gene: EPG5 (ectopic P-granules 5 autophagy tethering factor; minus strand). Cytogenetic location: 18q12.3.
Variant type: single nucleotide variant.
Coding change: c.5087C>T on transcript NM_020964.3 (MANE Select); coding-DNA position 5087, C replaced by T.
Protein change: p.Ser1696Leu; replaces serine 1696 with leucine.
Molecular consequence: missense variant.
Genome position (GRCh38, 1-based): chr18:45,887,773, G>A on the plus strand (C>T on the coding strand, the complement: EPG5 is on the minus strand). VCF-style: chr18-45887773-G-A. GRCh37 (hg19) VCF-style: chr18-43467738-G-A.
Other names: short protein forms S1696L.
Identifiers: ClinVar variation 1519383 (VCV001519383.6), dbSNP rs766622192, ClinGen allele CA8948679.
Genomic context (GRCh38, chr18:45,887,773, plus strand): 5'-CATTATCTGATCAAGGCAAAAGGTACAGATAGCCTTACCTGTCCCAAGATCTCAATACAT[G>A]AAGTAAAGAACTGCCTTGTTGGGGGATGACGCTGCGTCTCATCGCTGACGTAATCCACAA-3'
Protein context (NP_066015.2, residues 1686-1706): RHPPTRQFFT[Ser1696Leu]CIEILGQVFI